The following is an entry in ClinVar:

ClinVar aggregate classification (germline): Uncertain significance. Review status: criteria provided, multiple submitters, no conflicts (2 of 4 stars). 2 submissions from 2 submitters: Uncertain significance (2). Last evaluated 2025-01-22.

Conditions:
Hereditary cancer-predisposing syndrome. Also called: Neoplastic Syndromes, Hereditary; Tumor predisposition; Hereditary neoplastic syndrome; Hereditary Cancer Syndrome. Identifiers: Orphanet 140162, MedGen C0027672, MeSH D009386, MONDO:0015356.

Allele frequency attached by ClinVar (database versions not stated): gnomAD exomes below 0.00001; ExAC 0.00001; gnomAD 0.00001; TOPMed 0.00001.
gnomAD v4.1: 3 of 1,614,022 alleles (0.00019%); highest among the groups gnomAD compares: African/African-American, 0.0027%; no homozygotes.

Submissions (2):

Labcorp Genetics (formerly Invitae), Labcorp
Classification: Uncertain significance. Last evaluated: 2025-01-22. Review status: criteria provided, single submitter. Criteria: Invitae Variant Classification Sherloc (09022015). Collection method: clinical testing. Allele origin: germline.
Comment: This sequence change replaces glutamic acid, which is acidic and polar, with glutamine, which is neutral and polar, at codon 502 of the POLE protein (p.Glu502Gln). This variant is present in population databases (rs764955570, gnomAD 0.007%). This variant has not been reported in the literature in individuals affected with POLE-related conditions. ClinVar contains an entry for this variant (Variation ID: 580693). Invitae Evidence Modeling of protein sequence and biophysical properties (such as structural, functional, and spatial information, amino acid conservation, physicochemical variation, residue mobility, and thermodynamic stability) indicates that this missense variant is expected to disrupt POLE protein function with a positive predictive value of 80%. In summary, the available evidence is currently insufficient to determine the role of this variant in disease. Therefore, it has been classified as a Variant of Uncertain Significance.

Ambry Genetics
Classification: Uncertain significance for Hereditary cancer-predisposing syndrome. Last evaluated: 2024-03-02. Review status: criteria provided, single submitter. Criteria: Ambry Variant Classification Scheme 2023. Collection method: clinical testing. Allele origin: germline.
Comment: The p.E502Q variant (also known as c.1504G>C), located in coding exon 15 of the POLE gene, results from a G to C substitution at nucleotide position 1504. The glutamic acid at codon 502 is replaced by glutamine, an amino acid with highly similar properties. This amino acid position is conserved. In addition, the in silico prediction for this alteration is inconclusive. Since supporting evidence is limited at this time, the clinical significance of this alteration remains unclear.

NM_006231.4(POLE):c.1504G>C (p.Glu502Gln)

Gene: POLE (DNA polymerase epsilon, catalytic subunit; minus strand). Cytogenetic location: 12q24.33.
Variant type: single nucleotide variant.
Coding change: c.1504G>C on transcript NM_006231.4 (MANE Select); coding-DNA position 1504, G replaced by C.
Protein change: p.Glu502Gln; replaces glutamic acid 502 with glutamine.
Molecular consequence: missense variant.
Genome position (GRCh38, 1-based): chr12:132,672,809, C>G on the plus strand (G>C on the coding strand, the complement: POLE is on the minus strand). VCF-style: chr12-132672809-C-G. GRCh37 (hg19) VCF-style: chr12-133249395-C-G.
Other names: short protein forms E502Q.
Identifiers: ClinVar variation 580693 (VCV000580693.11), dbSNP rs764955570, ClinGen allele CA6893925.
Genomic context (GRCh38, chr12:132,672,809, plus strand): 5'-GCTCTTGCTTGTTGGGGAAGATGATGTTGGCGTGGAAGGCCTGCACCATCAGCAAGGCCT[C>G]ACACAGAGTGCCAGAGCCCTTCCGCAGCACCTGCAAGAGAAACCAAGGCTTCCAGCCAAA-3'
Protein context (NP_006222.2, residues 492-512): VLRKGSGTLC[Glu502Gln]ALLMVQAFHA